The following is an entry in ClinVar:

ClinVar aggregate classification (germline): Benign/Likely benign. Review status: criteria provided, multiple submitters, no conflicts (2 of 4 stars). 11 submissions from 11 submitters: Benign (4); Likely benign (2). 5 of the submissions do not count toward it. Last evaluated 2026-01-31.

Conditions:
Hypertrophic cardiomyopathy 14. Identifiers: MedGen C2750467, MONDO:0013197, OMIM 613251.
Atrial septal defect 3 (ASD3). Identifiers: Orphanet 1478, MedGen C3279790, MONDO:0013567, OMIM 614089.
Hypertrophic cardiomyopathy 1 (CMH1). Also called: MYH7-Related Familial Hypertrophic Cardiomyopathy; Familial hypertrophic cardiomyopathy 1. Identifiers: MedGen C3495498, MONDO:0008647, OMIM 192600.
Sick sinus syndrome 3, susceptibility to (SSS3). Identifiers: Orphanet 166282, MedGen C3279791, MONDO:0013568, OMIM 614090.
Dilated cardiomyopathy 1EE (CMD1EE). Identifiers: Orphanet 154, MedGen C2750466, MONDO:0013198, OMIM 613252.

Allele frequency attached by ClinVar (database versions not stated): gnomAD exomes 0.00113; ExAC 0.00159; gnomAD 0.00411 and 0.00443; 1000 Genomes Project 0.00479; TOPMed 0.00482; 1000 Genomes Project 30x 0.00484.
gnomAD v4.1: 1,520 of 1,612,328 alleles (0.094%); highest among the groups gnomAD compares: African/African-American, 1.6%; 16 homozygotes.

Submissions (11):

Labcorp Genetics (formerly Invitae), Labcorp
Classification: Benign for Hypertrophic cardiomyopathy 14. Last evaluated: 2026-01-31. Review status: criteria provided, single submitter. Criteria: Invitae Variant Classification Sherloc (09022015). Collection method: clinical testing. Allele origin: germline.

Blueprint Genetics
Classification: Likely benign. Last evaluated: 2024-10-07. Review status: criteria provided, single submitter. Criteria: ACMG Guidelines, 2015. Collection method: clinical testing. Allele origin: germline.

ARUP Laboratories, Molecular Genetics and Genomics, ARUP Laboratories
Classification: Benign. Last evaluated: 2024-07-22. Review status: criteria provided, single submitter. Criteria: ARUP Molecular Germline Variant Investigation Process 2024. Collection method: clinical testing. Allele origin: germline.

Fulgent Genetics
Classification: Likely benign for Hypertrophic cardiomyopathy 1; Hypertrophic cardiomyopathy 14; Dilated cardiomyopathy 1EE; Atrial septal defect 3; Sick sinus syndrome 3, susceptibility to. Last evaluated: 2021-12-15. Review status: criteria provided, single submitter. Criteria: ACMG Guidelines, 2015. Collection method: clinical testing. Allele origin: unknown.

Women's Health and Genetics/Laboratory Corporation of America, LabCorp
Classification: Benign. Last evaluated: 2019-11-11. Review status: criteria provided, single submitter. Criteria: LabCorp Variant Classification Summary - May 2015. Collection method: clinical testing. Allele origin: germline.
Comment: Variant summary: MYH6 c.2168+17C>A alters a nucleotide located close to a canonical splice site and therefore could affect mRNA splicing, leading to a significantly altered protein sequence. 5/5 computational tools predict no significant impact on normal splicing. However, these predictions have yet to be confirmed by functional studies. The variant allele was found at a frequency of 0.0015 in 282750 control chromosomes in the gnomAD database, including 3 homozygotes. The observed variant frequency is approximately 59 fold the estimated maximal expected allele frequency for a pathogenic variant in MYH6 causing Cardiomyopathy phenotype (2.5e-05), strongly suggesting that the variant is benign. To our knowledge, no occurrence of c.2168+17C>A in individuals affected with Cardiomyopathy and no experimental evidence demonstrating an impact on protein function have been reported. One clinical diagnostic laboratory has submitted clinical-significance assessments for this variant to ClinVar after 2014 without evidence for independent evaluation. One laboratory classified the variant as benign. Based on the evidence outlined above, the variant was classified as benign.

GeneDx
Classification: Benign. Last evaluated: 2016-12-21. Review status: criteria provided, single submitter. Criteria: GeneDx Variant Classification (06012015). Collection method: clinical testing. Allele origin: germline. Affected: yes.
Comment: This variant is considered likely benign or benign based on one or more of the following criteria: it is a conservative change, it occurs at a poorly conserved position in the protein, it is predicted to be benign by multiple in silico algorithms, and/or has population frequency not consistent with disease.

Clinical Genetics DNA and cytogenetics Diagnostics Lab, Erasmus MC, Erasmus Medical Center
Classification: Likely benign. Review status: no assertion criteria provided. Collection method: clinical testing. Allele origin: germline. Affected: yes. Study: VKGL Data-share Consensus. Not counted in ClinVar's aggregate classification.

Clinical Genetics, Academic Medical Center
Classification: Benign. Review status: no assertion criteria provided. Collection method: clinical testing. Allele origin: germline. Affected: yes. Study: VKGL Data-share Consensus. Not counted in ClinVar's aggregate classification.

Diagnostic Laboratory, Department of Genetics, University Medical Center Groningen
Classification: Likely benign. Review status: no assertion criteria provided. Collection method: clinical testing. Allele origin: germline. Affected: yes. Study: VKGL Data-share Consensus. Not counted in ClinVar's aggregate classification.

Genome Diagnostics Laboratory, University Medical Center Utrecht
Classification: Benign. Review status: no assertion criteria provided. Collection method: clinical testing. Allele origin: germline. Affected: yes. Study: VKGL Data-share Consensus. Not counted in ClinVar's aggregate classification.

Joint Genome Diagnostic Labs from Nijmegen and Maastricht, Radboudumc and MUMC+
Classification: Benign. Review status: no assertion criteria provided. Collection method: clinical testing. Allele origin: germline. Affected: yes. Study: VKGL Data-share Consensus. Not counted in ClinVar's aggregate classification.

NM_002471.4(MYH6):c.2168+17C>A

Gene: MYH6 (myosin heavy chain 6; minus strand). Cytogenetic location: 14q11.2.
Variant type: single nucleotide variant.
Coding change: c.2168+17C>A on transcript NM_002471.4 (MANE Select); 17 bases into the intron after coding-DNA position 2168, C replaced by A.
Molecular consequence: intron variant.
Genome position (GRCh38, 1-based): chr14:23,396,946, G>T on the plus strand (C>A on the coding strand, the complement: MYH6 is on the minus strand). VCF-style: chr14-23396946-G-T. GRCh37 (hg19) VCF-style: chr14-23866155-G-T.
Identifiers: ClinVar variation 389970 (VCV000389970.29), dbSNP rs192337153, ClinGen allele CA7115573.